The following is an entry in ClinVar:

NM_152564.5(VPS13B):c.8855_8856del (p.Tyr2952fs)

Gene: VPS13B (vacuolar protein sorting 13 homolog B; plus strand). Cytogenetic location: 8q22.2.
Variant type: Microsatellite.
Coding change: c.8855_8856del on transcript NM_152564.5 (MANE Select); coding-DNA positions 8855 to 8856, 2 bases deleted (AT; older notation c.8855_8856delAT).
Protein change: p.Tyr2952fs; shifts the reading frame from tyrosine 2952.
Molecular consequence: frameshift variant.
Genome position (GRCh38, 1-based): chr8:99,819,983-99,819,984, AT deleted; deleting any 2 consecutive bases within chr8:99,819,981-99,819,984 gives the same sequence; the c. name uses the placement nearest the transcript's 3' end. VCF-style (leftmost placement, unchanged base first): chr8-99819980-CAT-C. GRCh37 (hg19) VCF-style: chr8-100832208-CAT-C.
Other names: c.8930_8931del, p.Tyr2977fs (NM_017890.5); short protein forms Y2952fs, Y2977fs.
Identifiers: ClinVar variation 1076875 (VCV001076875.7), dbSNP rs2130817575, ClinGen allele CA2580617212.

ClinVar aggregate classification (germline): Pathogenic (1 of 4 stars; one submission).

Conditions:
Cohen syndrome (COH1). Also called: PEPPER SYNDROME; Cutis verticis gyrata, retinitis pigmentosa, and sensorineural deafness. Identifiers: Orphanet 193, MedGen C0265223, MONDO:0008999, OMIM 216550.

Submission:

Labcorp Genetics (formerly Invitae), Labcorp
Classification: Pathogenic for Cohen syndrome. Last evaluated: 2020-07-02. Review status: criteria provided, single submitter. Criteria: Invitae Variant Classification Sherloc (09022015). Collection method: clinical testing. Allele origin: germline.
Comment: This sequence change creates a premature translational stop signal (p.Tyr2977Cysfs*2) in the VPS13B gene. It is expected to result in an absent or disrupted protein product. This variant is not present in population databases (ExAC no frequency). This variant has not been reported in the literature in individuals with VPS13B-related conditions. Loss-of-function variants in VPS13B are known to be pathogenic (PMID: 15141358, 16648375, 20461111). For these reasons, this variant has been classified as Pathogenic.

Literature cited by the submitters: PubMed 15141358; PubMed 16648375; PubMed 20461111.